The following is an entry in ClinVar:

NM_001256447.2(BCAP31):c.92+4T>C

Gene: BCAP31 (B cell receptor associated protein 31; minus strand). Cytogenetic location: Xq28.
Variant type: single nucleotide variant.
Coding change: c.92+4T>C on transcript NM_001256447.2 (MANE Select); 4 bases into the intron after coding-DNA position 92, T replaced by C.
Molecular consequence: intron variant.
Genome position (GRCh38, 1-based): chrX:153,723,149, A>G on the plus strand (T>C on the coding strand, the complement: BCAP31 is on the minus strand). VCF-style: chrX-153723149-A-G. GRCh37 (hg19) VCF-style: chrX-152988604-A-G.
Other names: c.92+4T>C (NM_005745.8, NM_001139441.1); c.293+4T>C (NM_001139457.2).
Identifiers: ClinVar variation 1449623 (VCV001449623.31), dbSNP rs782080260, ClinGen allele CA10549849.

ClinVar aggregate classification (germline): Conflicting classifications of pathogenicity. Review status: criteria provided, conflicting classifications (1 of 4 stars). 2 submissions from 2 submitters: Uncertain significance (1); Likely benign (1). Last evaluated 2026-03-01.

Allele frequency attached by ClinVar (database versions not stated): ExAC 0.00003; gnomAD exomes 0.00006 and 0.00008; TOPMed 0.00007; gnomAD 0.00009 and 0.00010.
gnomAD v4.1: 99 of 1,207,522 alleles (0.0082%); highest among the groups gnomAD compares: Admixed American, 0.013%; no homozygotes.

Submissions (2):

CeGaT Center for Human Genetics Tuebingen
Classification: Likely benign. Last evaluated: 2026-03-01. Review status: criteria provided, single submitter. Criteria: CeGaT Center For Human Genetics Tuebingen Variant Classification Criteria Version 2. Collection method: clinical testing. Allele origin: germline. Affected: yes. Observed: 2 variant alleles.
Comment: BCAP31: BP4, BS2

Labcorp Genetics (formerly Invitae), Labcorp
Classification: Uncertain significance. Last evaluated: 2026-02-03. Review status: criteria provided, single submitter. Criteria: Invitae Variant Classification Sherloc (09022015). Collection method: clinical testing. Allele origin: germline.
Comment: This sequence change falls in intron 2 of the BCAP31 gene. It does not directly change the encoded amino acid sequence of the BCAP31 protein. It affects a nucleotide within the consensus splice site. This variant is present in population databases (rs782080260, gnomAD 0.01%). This variant has not been reported in the literature in individuals affected with BCAP31-related conditions. ClinVar contains an entry for this variant (Variation ID: 1449623). Variants that disrupt the consensus splice site are a relatively common cause of aberrant splicing (PMID: 17576681, 9536098). Algorithms developed to predict the effect of sequence changes on RNA splicing suggest that this variant is not likely to affect RNA splicing. In summary, the available evidence is currently insufficient to determine the role of this variant in disease. Therefore, it has been classified as a Variant of Uncertain Significance.

Literature cited by the submitters: PubMed 17576681 (cited by Labcorp Genetics (formerly Invitae), Labcorp); PubMed 9536098 (cited by Labcorp Genetics (formerly Invitae), Labcorp).